The following is an entry in ClinVar:

ClinVar aggregate classification (germline): Conflicting classifications of pathogenicity. Review status: criteria provided, conflicting classifications (1 of 4 stars). 2 submissions from 2 submitters: Likely pathogenic (1); Uncertain significance (1). Last evaluated 2025-05-01.

Conditions:
GJA8-related disorder. Also called: GJA8-related condition.

Submissions (2):

CeGaT Center for Human Genetics Tuebingen
Classification: Uncertain significance. Last evaluated: 2025-05-01. Review status: criteria provided, single submitter. Criteria: CeGaT Center For Human Genetics Tuebingen Variant Classification Criteria Version 2. Collection method: clinical testing. Allele origin: germline. Affected: yes. Observed: 1 variant allele.
Comment: GJA8: PM2, PP3

PreventionGenetics, part of Exact Sciences
Classification: Likely pathogenic for GJA8-related condition. Last evaluated: 2023-01-02. Review status: criteria provided, single submitter. Criteria: ACMG Guidelines, 2015. Collection method: clinical testing. Allele origin: germline.
Comment: The GJA8 c.622T>C variant is predicted to result in the amino acid substitution p.Phe208Leu. To our knowledge, this variant has not been reported in the literature or in a large population database, indicating this variant is rare. This variant is interpreted as likely pathogenic.

NM_005267.5(GJA8):c.622T>C (p.Phe208Leu)

Gene: GJA8 (gap junction protein alpha 8; plus strand). Cytogenetic location: 1q21.2.
Variant type: single nucleotide variant.
Coding change: c.622T>C on transcript NM_005267.5 (MANE Select); coding-DNA position 622, T replaced by C.
Protein change: p.Phe208Leu; replaces phenylalanine 208 with leucine.
Molecular consequence: missense variant.
Genome position (GRCh38, 1-based): chr1:147,908,577, T>C. VCF-style: chr1-147908577-T-C. GRCh37 (hg19) VCF-style: chr1-147380704-T-C.
Other names: short protein forms F208L.
Identifiers: ClinVar variation 2630069 (VCV002630069.9), dbSNP rs1651922680, ClinGen allele CA342224996.